The following is an entry in ClinVar:

NM_033310.3(KCNK4):c.388C>A (p.Leu130Met)

Genes: KCNK4 (potassium two pore domain channel subfamily K member 4; plus strand), KCNK4-CATSPERZ (KCNK4-CATSPERZ readthrough (NMD candidate); plus strand). Cytogenetic location: 11q13.1.
Variant type: single nucleotide variant.
Coding change: c.388C>A on transcript NM_033310.3 (MANE Select); coding-DNA position 388, C replaced by A.
Protein change: p.Leu130Met; replaces leucine 130 with methionine.
Molecular consequence: missense variant. On other transcripts: non-coding transcript variant (3).
Genome position (GRCh38, 1-based): chr11:64,297,193, C>A. VCF-style: chr11-64297193-C-A. GRCh37 (hg19) VCF-style: chr11-64064665-C-A.
Other names: c.388C>A (NM_033310.2); c.388C>A, p.Leu130Met (NM_001317090.2); short protein forms L130M.
Identifiers: ClinVar variation 1524713 (VCV001524713.9), dbSNP rs772525985, ClinGen allele CA6073038.

ClinVar aggregate classification (germline): Uncertain significance. Review status: criteria provided, multiple submitters, no conflicts (2 of 4 stars). 2 submissions from 2 submitters: Uncertain significance (2). Last evaluated 2022-12-19.

Allele frequency attached by ClinVar (database versions not stated): gnomAD exomes below 0.00001; ExAC 0.00001; TOPMed 0.00001.
gnomAD v4.1: 1 of 1,614,144 alleles (0.000062%); highest among the groups gnomAD compares: African/African-American, 0.0013%; no homozygotes.

Submissions (2):

Ambry Genetics
Classification: Uncertain significance. Last evaluated: 2022-12-19. Review status: criteria provided, single submitter. Criteria: Ambry Variant Classification Scheme 2023. Collection method: clinical testing. Allele origin: germline.

Labcorp Genetics (formerly Invitae), Labcorp
Classification: Uncertain significance. Last evaluated: 2021-04-09. Review status: criteria provided, single submitter. Criteria: Invitae Variant Classification Sherloc (09022015). Collection method: clinical testing. Allele origin: germline.
Comment: This variant is present in population databases (rs772525985, ExAC 0.01%). This sequence change replaces leucine with methionine at codon 130 of the KCNK4 protein (p.Leu130Met). The leucine residue is highly conserved and there is a small physicochemical difference between leucine and methionine. This variant has not been reported in the literature in individuals with KCNK4-related conditions. In summary, the available evidence is currently insufficient to determine the role of this variant in disease. Therefore, it has been classified as a Variant of Uncertain Significance. Algorithms developed to predict the effect of missense changes on protein structure and function are either unavailable or do not agree on the potential impact of this missense change (SIFT: "Not Available"; PolyPhen-2: "Probably Damaging"; Align-GVGD: "Not Available").